The following is an entry in ClinVar:

ClinVar aggregate classification (germline): Benign. Review status: criteria provided, multiple submitters, no conflicts (2 of 4 stars). 18 submissions from 16 submitters: Benign (12). 6 of the submissions do not count toward it. Last evaluated 2026-02-04.

Conditions:
Amyotrophic lateral sclerosis type 4 (ALS4). Also called: AMYOTROPHIC LATERAL SCLEROSIS 4, JUVENILE; NEURONOPATHY, DISTAL HEREDITARY MOTOR, WITH PYRAMIDAL FEATURES. Identifiers: Orphanet 357043, MedGen C1865409, MONDO:0011223, OMIM 602433.
Spinocerebellar ataxia, autosomal recessive, with axonal neuropathy 2 (SCAN2). Also called: Ataxia-ocular apraxia-2; Ataxia with Oculomotor Apraxia Type 2; ATAXIA-OCULOMOTOR APRAXIA 2; Ataxia with Oculomotor Apraxia. Identifiers: Orphanet 64753, MedGen C1853761, MONDO:0018996, OMIM 606002.

Allele frequency attached by ClinVar (database versions not stated): ESP Exome Variant Server 0.03844; gnomAD exomes 0.04491 and 0.06516; TOPMed 0.05195; 1000 Genomes Project 0.08966; 1000 Genomes Project 30x 0.08542; gnomAD 0.04708 and 0.05027; ExAC 0.06562.
gnomAD v4.1: 73,483 of 1,613,922 alleles (4.6%); highest among the groups gnomAD compares: East Asian, 25%; 2,842 homozygotes.

Submissions (18):

Labcorp Genetics (formerly Invitae), Labcorp
Classification: Benign for Amyotrophic lateral sclerosis type 4; Spinocerebellar ataxia, autosomal recessive, with axonal neuropathy 2. Last evaluated: 2026-02-04. Review status: criteria provided, single submitter. Criteria: Invitae Variant Classification Sherloc (09022015). Collection method: clinical testing. Allele origin: germline.

ARUP Laboratories, Molecular Genetics and Genomics, ARUP Laboratories
Classification: Benign. Last evaluated: 2025-07-08. Review status: criteria provided, single submitter. Criteria: ARUP Molecular Germline Variant Investigation Process 2024. Collection method: clinical testing. Allele origin: germline.

Genome-Nilou Lab
Classification: Benign for Spinocerebellar ataxia, autosomal recessive, with axonal neuropathy 2. Last evaluated: 2023-02-08. Review status: criteria provided, single submitter. Criteria: ACMG Guidelines, 2015. Collection method: clinical testing. Allele origin: germline.

Genome-Nilou Lab
Classification: Benign for Amyotrophic lateral sclerosis type 4. Last evaluated: 2023-02-08. Review status: criteria provided, single submitter. Criteria: ACMG Guidelines, 2015. Collection method: clinical testing. Allele origin: germline.

Athena Diagnostics
Classification: Benign. Last evaluated: 2021-02-23. Review status: criteria provided, single submitter. Criteria: Athena Diagnostics Criteria. Collection method: clinical testing. Allele origin: unknown.

GeneDx
Classification: Benign. Last evaluated: 2018-10-17. Review status: criteria provided, single submitter. Criteria: GeneDx Variant Classification Process June 2021. Collection method: clinical testing. Allele origin: germline. Affected: yes.
Comment: This variant is associated with the following publications: (PMID: 24694197)

Illumina Laboratory Services, Illumina
Classification: Benign for Spinocerebellar ataxia, autosomal recessive, with axonal neuropathy 2. Last evaluated: 2018-01-13. Review status: criteria provided, single submitter. Criteria: ICSL Variant Classification Criteria 13 December 2019. Collection method: clinical testing. Allele origin: germline.
Comment: This variant was observed in the ICSL laboratory as part of a predisposition screen in an ostensibly healthy population. It had not been previously curated by ICSL or reported in the Human Gene Mutation Database (HGMD: prior to June 1st, 2018), and was therefore a candidate for classification through an automated scoring system. Utilizing variant allele frequency, disease prevalence and penetrance estimates, and inheritance mode, an automated score was calculated to assess if this variant is too frequent to cause the disease. Based on the score and internal cut-off values, a variant classified as benign is not then subjected to further curation. The score for this variant resulted in a classification of benign for this disease.

Illumina Laboratory Services, Illumina
Classification: Benign for Amyotrophic lateral sclerosis type 4. Last evaluated: 2018-01-13. Review status: criteria provided, single submitter. Criteria: ICSL Variant Classification Criteria 13 December 2019. Collection method: clinical testing. Allele origin: germline.
Comment: the same text as in the submission from Illumina Laboratory Services, Illumina above.

Mayo Clinic Laboratories, Mayo Clinic
Classification: Benign. Last evaluated: 2016-03-01. Review status: criteria provided, single submitter. Criteria: ACMG Guidelines, 2015. Collection method: clinical testing. Allele origin: germline. Observed: 205 variant alleles.

Eurofins Ntd Llc (ga)
Classification: Benign. Last evaluated: 2012-08-14. Review status: criteria provided, single submitter. Criteria: EGL Classification Definitions 2015. Collection method: clinical testing. Allele origin: germline. Observed: 1 variant allele, 1 homozygote.

Breakthrough Genomics
Classification: Benign. Review status: criteria provided, single submitter. Criteria: ACMG Guidelines, 2015. Collection method: not provided. Allele origin: germline. Inheritance: Autosomal recessive inheritance. Affected: yes.

PreventionGenetics, part of Exact Sciences
Classification: Benign. Review status: criteria provided, single submitter. Criteria: ACMG Guidelines, 2015. Collection method: clinical testing. Allele origin: germline.

Clinical Genetics DNA and cytogenetics Diagnostics Lab, Erasmus MC, Erasmus Medical Center
Classification: Benign. Review status: no assertion criteria provided. Collection method: clinical testing. Allele origin: germline. Affected: yes. Study: VKGL Data-share Consensus. Not counted in ClinVar's aggregate classification.

Clinical Genetics, Academic Medical Center
Classification: Benign. Review status: no assertion criteria provided. Collection method: clinical testing. Allele origin: germline. Affected: yes. Study: VKGL Data-share Consensus. Not counted in ClinVar's aggregate classification.

Genetic Services Laboratory, University of Chicago
Classification: Likely benign for AllHighlyPenetrant. Review status: no assertion criteria provided. Collection method: clinical testing. Allele origin: germline. Not counted in ClinVar's aggregate classification.
Comment: Likely benign based on allele frequency in 1000 Genomes Project or ESP global frequency and its presence in a patient with a rare or unrelated disease phenotype. NOT Sanger confirmed.

Genome Diagnostics Laboratory, Amsterdam University Medical Center
Classification: Benign. Review status: no assertion criteria provided. Collection method: clinical testing. Allele origin: germline. Affected: yes. Study: VKGL Data-share Consensus. Not counted in ClinVar's aggregate classification.

Genome Diagnostics Laboratory, University Medical Center Utrecht
Classification: Benign. Review status: no assertion criteria provided. Collection method: clinical testing. Allele origin: germline. Affected: yes. Study: VKGL Data-share Consensus. Not counted in ClinVar's aggregate classification.

Joint Genome Diagnostic Labs from Nijmegen and Maastricht, Radboudumc and MUMC+
Classification: Benign. Review status: no assertion criteria provided. Collection method: clinical testing. Allele origin: germline. Affected: yes. Study: VKGL Data-share Consensus. Not counted in ClinVar's aggregate classification.

NM_015046.7(SETX):c.3455T>G (p.Phe1152Cys)

Gene: SETX (senataxin; minus strand). Cytogenetic location: 9q34.13.
Variant type: single nucleotide variant.
Coding change: c.3455T>G on transcript NM_015046.7 (MANE Select); coding-DNA position 3455, T replaced by G.
Protein change: p.Phe1152Cys; replaces phenylalanine 1152 with cysteine.
Molecular consequence: missense variant.
Genome position (GRCh38, 1-based): chr9:132,328,143, A>C on the plus strand (T>G on the coding strand, the complement: SETX is on the minus strand). VCF-style: chr9-132328143-A-C. GRCh37 (hg19) VCF-style: chr9-135203530-A-C.
Other names: c.3455T>G, p.Phe1152Cys (NM_001351527.2, NM_001351528.2); short protein forms F1152C.
Identifiers: ClinVar variation 95660 (VCV000095660.76), dbSNP rs3739922, ClinGen allele CA148710.